The following is an entry in ClinVar:

ClinVar aggregate classification (germline): Uncertain significance (1 of 4 stars; one submission).

Conditions:
Charcot-Marie-Tooth disease type 2. Also called: Charcot-Marie-Tooth type 2. Identifiers: Orphanet 64746, MedGen C0270914, MONDO:0018993.

Allele frequency attached by ClinVar (database versions not stated): TOPMed below 0.00001; gnomAD exomes below 0.00001.
gnomAD v4.1: 2 of 1,614,192 alleles (0.00012%); highest among the groups gnomAD compares: Non-Finnish European, 0.00017%; no homozygotes.

Submission:

Labcorp Genetics (formerly Invitae), Labcorp
Classification: Uncertain significance for Charcot-Marie-Tooth disease type 2. Last evaluated: 2025-12-02. Review status: criteria provided, single submitter. Criteria: Invitae Variant Classification Sherloc (09022015). Collection method: clinical testing. Allele origin: germline.
Comment: This sequence change replaces leucine, which is neutral and non-polar, with phenylalanine, which is neutral and non-polar, at codon 246 of the BSCL2 protein (p.Leu246Phe). This variant is not present in population databases (gnomAD no frequency). This variant has not been reported in the literature in individuals affected with BSCL2-related conditions. ClinVar contains an entry for this variant (Variation ID: 2764464). Invitae Evidence Modeling of protein sequence and biophysical properties (such as structural, functional, and spatial information, amino acid conservation, physicochemical variation, residue mobility, and thermodynamic stability) indicates that this missense variant is expected to disrupt BSCL2 protein function with a positive predictive value of 80%. In summary, the available evidence is currently insufficient to determine the role of this variant in disease. Therefore, it has been classified as a Variant of Uncertain Significance.

NM_001122955.4(BSCL2):c.928C>T (p.Leu310Phe)

Genes: BSCL2 (BSCL2 lipid droplet biogenesis associated, seipin; minus strand), HNRNPUL2-BSCL2 (HNRNPUL2-BSCL2 readthrough (NMD candidate); minus strand). Cytogenetic location: 11q12.3.
Variant type: single nucleotide variant.
Coding change: c.928C>T on transcript NM_001122955.4 (MANE Select); coding-DNA position 928, C replaced by T.
Protein change: p.Leu310Phe; replaces leucine 310 with phenylalanine.
Molecular consequence: missense variant. On other transcripts: non-coding transcript variant (1), intron variant (1).
Genome position (GRCh38, 1-based): chr11:62,691,357, G>A on the plus strand (C>T on the coding strand, the complement: BSCL2 is on the minus strand). VCF-style: chr11-62691357-G-A. GRCh37 (hg19) VCF-style: chr11-62458829-G-A.
Other names: c.928C>T, p.Leu310Phe (NM_001386027.1, NM_001386028.1); c.736C>T, p.Leu246Phe (NM_032667.6); c.672-216C>T (NM_001130702.2); short protein forms L246F, L310F.
Identifiers: ClinVar variation 2764464 (VCV002764464.3), dbSNP rs1443555999, ClinGen allele CA380959913.